The following is an entry in ClinVar:

NM_172107.4(KCNQ2):c.840C>T (p.Tyr280=)

Gene: KCNQ2 (potassium voltage-gated channel subfamily Q member 2; minus strand). Cytogenetic location: 20q13.33.
Variant type: single nucleotide variant.
Coding change: c.840C>T on transcript NM_172107.4 (MANE Select); coding-DNA position 840, C replaced by T.
Protein change: p.Tyr280=; no amino-acid change (tyrosine 280 retained).
Molecular consequence: synonymous variant.
Genome position (GRCh38, 1-based): chr20:63,439,685, G>A on the plus strand (C>T on the coding strand, the complement: KCNQ2 is on the minus strand). VCF-style: chr20-63439685-G-A. GRCh37 (hg19) VCF-style: chr20-62071038-G-A.
Other names: c.840C>T, p.Tyr280= (NM_004518.6, NM_172106.3, NM_172108.5 and 1 more transcripts); c.840C>T (NM_172107.3).
Identifiers: ClinVar variation 378023 (VCV000378023.40), dbSNP rs201556105, ClinGen allele CA9958710.

ClinVar aggregate classification (germline): Likely benign. Review status: criteria provided, multiple submitters, no conflicts (2 of 4 stars). 7 submissions from 7 submitters: Likely benign (6). 1 of the submissions does not count toward it. Last evaluated 2026-01-28.

Conditions:
KCNQ2-Related Disorders. Also called: KCNQ2-related condition; KCNQ2-related disorder. Identifiers: MedGen CN169299.
Early-infantile DEE. Also called: Ohtahara syndrome; Early infantile epileptic encephalopathy with suppression bursts; Early infantile epileptic encephalopathy. Identifiers: Orphanet 1934, MedGen C0393706, MONDO:0800491.
Inborn genetic diseases. Identifiers: MedGen C0950123, MeSH D030342.

Allele frequency attached by ClinVar (database versions not stated): gnomAD exomes 0.00004 and 0.00008; gnomAD 0.00006; ExAC 0.00008; TOPMed 0.00008; 1000 Genomes Project 30x 0.00031; 1000 Genomes Project 0.00040.
gnomAD v4.1: 78 of 1,613,340 alleles (0.0048%); highest among the groups gnomAD compares: Middle Eastern, 0.049%; no homozygotes.

Submissions (7):

Labcorp Genetics (formerly Invitae), Labcorp
Classification: Likely benign for Early-infantile DEE. Last evaluated: 2026-01-28. Review status: criteria provided, single submitter. Criteria: Invitae Variant Classification Sherloc (09022015). Collection method: clinical testing. Allele origin: germline.

Blueprint Genetics
Classification: Likely benign. Last evaluated: 2023-08-10. Review status: criteria provided, single submitter. Criteria: ACMG Guidelines, 2015. Collection method: clinical testing. Allele origin: germline.

CeGaT Center for Human Genetics Tuebingen
Classification: Likely benign. Last evaluated: 2023-06-01. Review status: criteria provided, single submitter. Criteria: CeGaT Center For Human Genetics Tuebingen Variant Classification Criteria Version 2. Collection method: clinical testing. Allele origin: germline. Affected: yes. Observed: 2 variant alleles.
Comment: KCNQ2: BP4, BP7

GeneDx
Classification: Likely benign. Last evaluated: 2021-03-10. Review status: criteria provided, single submitter. Criteria: GeneDx Variant Classification Process June 2021. Collection method: clinical testing. Allele origin: germline. Affected: yes.

Ambry Genetics
Classification: Likely benign for Inborn genetic diseases. Last evaluated: 2017-08-07. Review status: criteria provided, single submitter. Criteria: Ambry Variant Classification Scheme 2023. Collection method: clinical testing. Allele origin: germline.

Breakthrough Genomics
Classification: Likely benign. Review status: criteria provided, single submitter. Criteria: ACMG Guidelines, 2015. Collection method: not provided. Allele origin: germline. Inheritance: Autosomal dominant inheritance. Affected: yes.

PreventionGenetics, part of Exact Sciences
Classification: Likely benign for KCNQ2-related condition. Last evaluated: 2024-01-25. Review status: no assertion criteria provided. Collection method: clinical testing. Allele origin: germline. Not counted in ClinVar's aggregate classification.
Comment: This variant is classified as likely benign based on ACMG/AMP sequence variant interpretation guidelines (Richards et al. 2015 PMID: 25741868, with internal and published modifications).